The following is an entry in ClinVar:

NM_000432.4(MYL2):c.485G>A (p.Gly162Glu)

Gene: MYL2 (myosin light chain 2; minus strand). Cytogenetic location: 12q24.11.
Variant type: single nucleotide variant.
Coding change: c.485G>A on transcript NM_000432.4 (MANE Select); coding-DNA position 485, G replaced by A.
Protein change: p.Gly162Glu; replaces glycine 162 with glutamic acid.
Molecular consequence: missense variant.
Genome position (GRCh38, 1-based): chr12:110,911,093, C>T on the plus strand (G>A on the coding strand, the complement: MYL2 is on the minus strand). VCF-style: chr12-110911093-C-T. GRCh37 (hg19) VCF-style: chr12-111348897-C-T.
Other names: short protein forms G162E.
Identifiers: ClinVar variation 43479 (VCV000043479.9), dbSNP rs397516406, ClinGen allele CA010439.

ClinVar aggregate classification (germline): Likely pathogenic. Review status: reviewed by expert panel (3 of 4 stars). 4 submissions from 4 submitters: Likely pathogenic (1). 3 of the submissions do not count toward it. Last evaluated 2025-11-14.

Conditions:
Cardiomyopathy (CMYO). Also called: Cardiomyopathies. Identifiers: Orphanet 167848, MedGen C0878544, MONDO:0004994, HP:0001638. Inheritance: Various modes of inheritance.
Hypertrophic cardiomyopathy 10. Also called: CARDIOMYOPATHY, HYPERTROPHIC, MID-LEFT VENTRICULAR CHAMBER TYPE, 2; MYL2-Related Familial Hypertrophic Cardiomyopathy. Identifiers: MedGen C1834460, MONDO:0012112, OMIM 608758.
Hypertrophic cardiomyopathy. Also called: HYPERTROPHIC MYOCARDIOPATHY. Identifiers: Orphanet 217569, MedGen C0007194, MeSH D002312, MONDO:0005045, HP:0001639.

Submissions (4):

ClinGen Cardiomyopathy Variant Curation Expert Panel
Classification: Likely pathogenic for Hypertrophic cardiomyopathy. Last evaluated: 2025-11-14. Review status: reviewed by expert panel. Criteria: ClinGen CMP ACMG Specifications MYL2 V1.0.0. Collection method: curation. Allele origin: germline. Inheritance: Autosomal dominant inheritance.
Comment: NM_000432.4(MYL2):c.485G>A (p.Gly162Glu). This variant has been identified in individuals with HCM and other cardiomyopathies (ClinVar Variation ID 164114) and segregated with disease in 11 affected relatives from one family (PP1_Strong; Renaudin 2018 PMID: 29549657). It was absent from large population studies (PM2_Supporting; v.2.1). The variant is statistically increased in individuals with HCM compared to controls (OR lower 95% CI>5), therefore, the PS4 criterion has been applied at supporting strength (PS4_Supporting). Computational prediction tools and conservation analyses suggest that this variant may impact the protein (PP3; REVEL score ≥0.70). In summary, this variant meets criteria to be classified as likely pathogenic for hypertrophic cardiomyopathy in an autosomal dominant manner based on PS4_Supporting, PM2_Supporting, PP1_Strong, PP3.

Labcorp Genetics (formerly Invitae), Labcorp
Classification: Pathogenic for Hypertrophic cardiomyopathy 10. Last evaluated: 2025-09-22. Review status: criteria provided, single submitter. Criteria: Invitae Variant Classification Sherloc (09022015). Collection method: clinical testing. Allele origin: germline. Not counted in ClinVar's aggregate classification.
Comment: This sequence change replaces glycine, which is neutral and non-polar, with glutamic acid, which is acidic and polar, at codon 162 of the MYL2 protein (p.Gly162Glu). This variant is not present in population databases (gnomAD no frequency). This missense change has been observed in individual(s) with autosomal dominant hypertrophic cardiomyopathy (PMID: 25611685, 27532257, 29549657, 37652022). It has also been observed to segregate with disease in related individuals. ClinVar contains an entry for this variant (Variation ID: 43479). An algorithm developed to predict the effect of missense changes on protein structure and function (PolyPhen-2) suggests that this variant is likely to be disruptive. This variant disrupts the p.Gly162 amino acid residue in MYL2. Other variant(s) that disrupt this residue have been determined to be pathogenic (PMID: 18533079, 27532257, 28991257). This suggests that this residue is clinically significant, and that variants that disrupt this residue are likely to be disease-causing. For these reasons, this variant has been classified as Pathogenic.

CHEO Genetics Diagnostic Laboratory, Children's Hospital of Eastern Ontario
Classification: Likely pathogenic for Cardiomyopathy. Last evaluated: 2023-06-19. Review status: criteria provided, single submitter. Criteria: ACMG Guidelines, 2015. Collection method: clinical testing. Allele origin: germline. Not counted in ClinVar's aggregate classification.

Laboratory for Molecular Medicine, Mass General Brigham Personalized Medicine
Classification: Pathogenic for Hypertrophic cardiomyopathy. Last evaluated: 2021-04-06. Review status: criteria provided, single submitter. Criteria: LMM Criteria. Collection method: clinical testing. Allele origin: germline. Inheritance: Autosomal dominant inheritance. Observed: 11 variant alleles. Not counted in ClinVar's aggregate classification.
Comment: proposed classification - variant undergoing re-assessment, contact laboratory

Literature cited by the submitters: PubMed 25611685 (cited by Labcorp Genetics (formerly Invitae), Labcorp and Laboratory for Molecular Medicine, Mass General Brigham Personalized Medicine); PubMed 27532257 (cited by Labcorp Genetics (formerly Invitae), Labcorp and Laboratory for Molecular Medicine, Mass General Brigham Personalized Medicine); PubMed 29549657 (cited by Labcorp Genetics (formerly Invitae), Labcorp); PubMed 37652022 (cited by Labcorp Genetics (formerly Invitae), Labcorp); PubMed 18533079 (cited by Labcorp Genetics (formerly Invitae), Labcorp and Laboratory for Molecular Medicine, Mass General Brigham Personalized Medicine); PubMed 28991257 (cited by Labcorp Genetics (formerly Invitae), Labcorp).